The following is an entry in ClinVar:

NM_001845.6(COL4A1):c.3017T>C (p.Leu1006Pro)

Gene: COL4A1 (collagen type IV alpha 1 chain; minus strand). Cytogenetic location: 13q34.
Variant type: single nucleotide variant.
Coding change: c.3017T>C on transcript NM_001845.6 (MANE Select); coding-DNA position 3017, T replaced by C.
Protein change: p.Leu1006Pro; replaces leucine 1006 with proline.
Molecular consequence: missense variant.
Genome position (GRCh38, 1-based): chr13:110,176,465, A>G on the plus strand (T>C on the coding strand, the complement: COL4A1 is on the minus strand). VCF-style: chr13-110176465-A-G. GRCh37 (hg19) VCF-style: chr13-110828812-A-G.
Other names: short protein forms L1006P.
Identifiers: ClinVar variation 3649620 (VCV003649620.2).

ClinVar aggregate classification (germline): Uncertain significance (1 of 4 stars; one submission).

gnomAD v4.1: 1 of 1,614,070 alleles (0.000062%); highest among the groups gnomAD compares: Non-Finnish European, 0.000085%; no homozygotes.

Submission:

Labcorp Genetics (formerly Invitae), Labcorp
Classification: Uncertain significance. Last evaluated: 2025-08-06. Review status: criteria provided, single submitter. Criteria: Invitae Variant Classification Sherloc (09022015). Collection method: clinical testing. Allele origin: germline.
Comment: This sequence change replaces leucine, which is neutral and non-polar, with proline, which is neutral and non-polar, at codon 1006 of the COL4A1 protein (p.Leu1006Pro). This variant is not present in population databases (gnomAD no frequency). This variant has not been reported in the literature in individuals affected with COL4A1-related conditions. ClinVar contains an entry for this variant (Variation ID: 3649620). Invitae Evidence Modeling of protein sequence and biophysical properties (such as structural, functional, and spatial information, amino acid conservation, physicochemical variation, residue mobility, and thermodynamic stability) indicates that this missense variant is not expected to disrupt COL4A1 protein function with a negative predictive value of 95%. In summary, the available evidence is currently insufficient to determine the role of this variant in disease. Therefore, it has been classified as a Variant of Uncertain Significance.